The following is an entry in ClinVar:

NM_000535.7(PMS2):c.2467A>T (p.Asn823Tyr)

Gene: PMS2 (PMS1 homolog 2, mismatch repair system component; minus strand). Cytogenetic location: 7p22.1.
Variant type: single nucleotide variant.
Coding change: c.2467A>T on transcript NM_000535.7 (MANE Select); coding-DNA position 2467, A replaced by T.
Protein change: p.Asn823Tyr; replaces asparagine 823 with tyrosine.
Molecular consequence: missense variant. On other transcripts: non-coding transcript variant (1).
Genome position (GRCh38, 1-based): chr7:5,973,521, T>A on the plus strand (A>T on the coding strand, the complement: PMS2 is on the minus strand). VCF-style: chr7-5973521-T-A. GRCh37 (hg19) VCF-style: chr7-6013152-T-A.
Other names: c.2062A>T, p.Asn688Tyr (NM_001018040.1, NM_001322003.2, NM_001322004.2 and 12 more transcripts); c.2311A>T, p.Asn771Tyr (NM_001322006.2); c.2149A>T, p.Asn717Tyr (NM_001322007.2, NM_001322008.2, NM_001406883.1); c.2095A>T, p.Asn699Tyr (NM_001322009.2, NM_001406887.1, NM_001406888.1); c.1906A>T, p.Asn636Tyr (NM_001322010.2, NM_001406906.1, NM_001406907.1); c.1534A>T, p.Asn512Tyr (NM_001322011.2, NM_001322012.2); c.1894A>T, p.Asn632Tyr (NM_001322013.2, NM_001406908.1, NM_001406909.1); c.2500A>T, p.Asn834Tyr (NM_001322014.2); and 21 more; short protein forms N584Y, N652Y, N699Y, N711Y, N787Y, N885Y, N512Y, N668Y.
Identifiers: ClinVar variation 1791701 (VCV001791701.3), dbSNP rs1781506728, ClinGen allele CA366735002.

ClinVar aggregate classification (germline): Uncertain significance. Review status: criteria provided, multiple submitters, no conflicts (2 of 4 stars). 2 submissions from 2 submitters: Uncertain significance (2). Last evaluated 2025-06-27.

Conditions:
Hereditary cancer-predisposing syndrome. Also called: Hereditary Cancer Syndrome; Hereditary neoplastic syndrome; Tumor predisposition; Neoplastic Syndromes, Hereditary. Identifiers: Orphanet 140162, MedGen C0027672, MeSH D009386, MONDO:0015356.

Submissions (2):

Quest Diagnostics Nichols Institute San Juan Capistrano
Classification: Uncertain significance. Last evaluated: 2025-06-27. Review status: criteria provided, single submitter. Criteria: Quest Diagnostics criteria. Collection method: clinical testing. Allele origin: unknown.
Comment: The PMS2 c.2467A>T (p.Asn823Tyr) variant has not been reported in individuals with PMS2-related conditions in the published literature. The frequency of this variant in the general population (Genome Aggregation Database) is uninformative in the assessment of its pathogenicity. Analysis of this variant using bioinformatics tools for the prediction of the effect of amino acid changes on protein structure and function yielded conflicting predictions that this variant is benign or damaging. Based on the available information, we are unable to determine the clinical significance of this variant.

Ambry Genetics
Classification: Uncertain significance for Hereditary cancer-predisposing syndrome. Last evaluated: 2022-08-28. Review status: criteria provided, single submitter. Criteria: Ambry Variant Classification Scheme 2023. Collection method: clinical testing. Allele origin: germline.
Comment: The p.N823Y variant (also known as c.2467A>T), located in coding exon 15 of the PMS2 gene, results from an A to T substitution at nucleotide position 2467. The asparagine at codon 823 is replaced by tyrosine, an amino acid with dissimilar properties. This amino acid position is conserved. In addition, the in silico prediction for this alteration is inconclusive. Since supporting evidence is limited at this time, the clinical significance of this alteration remains unclear.